The following is an entry in ClinVar:

ClinVar aggregate classification (germline): Pathogenic (1 of 4 stars; one submission).

Submission:

GeneDx
Classification: Pathogenic. Last evaluated: 2025-12-19. Review status: criteria provided, single submitter. Criteria: GeneDx Variant Classification Process June 2021. Collection method: clinical testing. Allele origin: germline. Affected: yes.
Comment: Not observed at significant frequency in large population cohorts (gnomAD); In silico analysis supports that this missense variant has a deleterious effect on protein structure/function; Has not been previously published as pathogenic or benign to our knowledge

NM_018082.6(POLR3B):c.1297C>T (p.Arg433Cys)

Gene: POLR3B (RNA polymerase III subunit B; plus strand). Cytogenetic location: 12q23.3.
Variant type: single nucleotide variant.
Coding change: c.1297C>T on transcript NM_018082.6 (MANE Select); coding-DNA position 1297, C replaced by T.
Protein change: p.Arg433Cys; replaces arginine 433 with cysteine.
Molecular consequence: missense variant.
Genome position (GRCh38, 1-based): chr12:106,430,306, C>T. VCF-style: chr12-106430306-C-T. GRCh37 (hg19) VCF-style: chr12-106824084-C-T.
Other names: c.1123C>T, p.Arg375Cys (NM_001160708.2); short protein forms R375C, R433C.
Identifiers: ClinVar variation 1304259 (VCV001304259.6), dbSNP rs2137001947, ClinGen allele CA386388969.